The following is an entry in ClinVar:

ClinVar aggregate classification (germline): Uncertain significance. Review status: criteria provided, multiple submitters, no conflicts (2 of 4 stars). 2 submissions from 2 submitters: Uncertain significance (2). Last evaluated 2022-08-15.

Allele frequency attached by ClinVar (database versions not stated): gnomAD exomes below 0.00001 and 0.00001; ExAC 0.00002; TOPMed 0.00003; ESP Exome Variant Server 0.00009.
gnomAD v4.1: 8 of 1,611,112 alleles (0.0005%); highest among the groups gnomAD compares: African/African-American, 0.0094%; no homozygotes.

Submissions (2):

Labcorp Genetics (formerly Invitae), Labcorp
Classification: Uncertain significance. Last evaluated: 2022-08-15. Review status: criteria provided, single submitter. Criteria: Invitae Variant Classification Sherloc (09022015). Collection method: clinical testing. Allele origin: germline.
Comment: This sequence change replaces glutamine, which is neutral and polar, with leucine, which is neutral and non-polar, at codon 595 of the FAM161A protein (p.Gln595Leu). This variant is present in population databases (rs375742156, gnomAD 0.01%). This variant has not been reported in the literature in individuals affected with FAM161A-related conditions. ClinVar contains an entry for this variant (Variation ID: 1449417). Algorithms developed to predict the effect of missense changes on protein structure and function output the following: SIFT: "Tolerated"; PolyPhen-2: "Benign"; Align-GVGD: "Class C0". The leucine amino acid residue is found in multiple mammalian species, which suggests that this missense change does not adversely affect protein function. In summary, the available evidence is currently insufficient to determine the role of this variant in disease. Therefore, it has been classified as a Variant of Uncertain Significance.

Blueprint Genetics
Classification: Uncertain significance. Last evaluated: 2021-12-29. Review status: criteria provided, single submitter. Criteria: ACMG Guidelines, 2015. Collection method: clinical testing. Allele origin: germline.

NM_001201543.2(FAM161A):c.1784A>T (p.Gln595Leu)

Gene: FAM161A (FAM161 centrosomal protein A; minus strand). Cytogenetic location: 2p15.
Variant type: single nucleotide variant.
Coding change: c.1784A>T on transcript NM_001201543.2 (MANE Select); coding-DNA position 1784, A replaced by T.
Protein change: p.Gln595Leu; replaces glutamine 595 with leucine.
Molecular consequence: missense variant. On other transcripts: non-coding transcript variant (1).
Genome position (GRCh38, 1-based): chr2:61,836,077, T>A on the plus strand (A>T on the coding strand, the complement: FAM161A is on the minus strand). VCF-style: chr2-61836077-T-A. GRCh37 (hg19) VCF-style: chr2-62063212-T-A.
Other names: c.1616A>T, p.Gln539Leu (NM_032180.3); short protein forms Q539L, Q595L.
Identifiers: ClinVar variation 1449417 (VCV001449417.6), dbSNP rs375742156, ClinGen allele CA1679033.